The following is an entry in ClinVar:

NM_001854.4(COL11A1):c.1261G>A (p.Ala421Thr)

Gene: COL11A1 (collagen type XI alpha 1 chain; minus strand). Cytogenetic location: 1p21.1.
Variant type: single nucleotide variant.
Coding change: c.1261G>A on transcript NM_001854.4 (MANE Select); coding-DNA position 1261, G replaced by A.
Protein change: p.Ala421Thr; replaces alanine 421 with threonine.
Molecular consequence: missense variant. On other transcripts: non-coding transcript variant (1).
Genome position (GRCh38, 1-based): chr1:103,021,754, C>T on the plus strand (G>A on the coding strand, the complement: COL11A1 is on the minus strand). VCF-style: chr1-103021754-C-T. GRCh37 (hg19) VCF-style: chr1-103487310-C-T.
Other names: c.1144G>A, p.Ala382Thr (NM_001190709.2); c.1297G>A, p.Ala433Thr (NM_080629.3); c.913G>A, p.Ala305Thr (NM_080630.4); short protein forms A305T, A433T, A382T, A421T.
Identifiers: ClinVar variation 1366487 (VCV001366487.8), dbSNP rs763208504, ClinGen allele CA975057.

ClinVar aggregate classification (germline): Uncertain significance (1 of 4 stars; one submission).

Allele frequency attached by ClinVar (database versions not stated): gnomAD exomes below 0.00001; ExAC 0.00001.

Submission:

Labcorp Genetics (formerly Invitae), Labcorp
Classification: Uncertain significance. Last evaluated: 2021-12-24. Review status: criteria provided, single submitter. Criteria: Invitae Variant Classification Sherloc (09022015). Collection method: clinical testing. Allele origin: germline.
Comment: This sequence change replaces alanine, which is neutral and non-polar, with threonine, which is neutral and polar, at codon 421 of the COL11A1 protein (p.Ala421Thr). This variant is present in population databases (rs763208504, gnomAD 0.003%). This variant has not been reported in the literature in individuals affected with COL11A1-related conditions. Advanced modeling of protein sequence and biophysical properties (such as structural, functional, and spatial information, amino acid conservation, physicochemical variation, residue mobility, and thermodynamic stability) performed at Invitae indicates that this missense variant is not expected to disrupt COL11A1 protein function. In summary, the available evidence is currently insufficient to determine the role of this variant in disease. Therefore, it has been classified as a Variant of Uncertain Significance.